The following is an entry in ClinVar:

NM_015898.4(ZBTB7A):c.299G>A (p.Ser100Asn)

Gene: ZBTB7A (zinc finger and BTB domain containing 7A; minus strand). Cytogenetic location: 19p13.3.
Variant type: single nucleotide variant.
Coding change: c.299G>A on transcript NM_015898.4 (MANE Select); coding-DNA position 299, G replaced by A.
Protein change: p.Ser100Asn; replaces serine 100 with asparagine.
Molecular consequence: missense variant.
Genome position (GRCh38, 1-based): chr19:4,054,934, C>T on the plus strand (G>A on the coding strand, the complement: ZBTB7A is on the minus strand). VCF-style: chr19-4054934-C-T. GRCh37 (hg19) VCF-style: chr19-4054932-C-T.
Other names: c.299G>A, p.Ser100Asn (NM_001317990.2); c.299G>A (NM_015898.2); short protein forms S100N.
Identifiers: ClinVar variation 2580495 (VCV002580495.2), dbSNP rs2512277307, ClinGen allele CA403368629.

ClinVar aggregate classification (germline): Uncertain significance. Review status: criteria provided, multiple submitters, no conflicts (2 of 4 stars). 2 submissions from 2 submitters: Uncertain significance (2). Last evaluated 2024-11-28.

Conditions:
Inborn genetic diseases. Identifiers: MedGen C0950123, MeSH D030342.

Allele frequency attached by ClinVar (database versions not stated): gnomAD exomes below 0.00001.

Submissions (2):

Ambry Genetics
Classification: Uncertain significance for Inborn genetic diseases. Last evaluated: 2024-11-28. Review status: criteria provided, single submitter. Criteria: Ambry Variant Classification Scheme 2023. Collection method: clinical testing. Allele origin: germline.

GeneDx
Classification: Uncertain significance. Last evaluated: 2023-03-23. Review status: criteria provided, single submitter. Criteria: GeneDx Variant Classification Process June 2021. Collection method: clinical testing. Allele origin: germline. Affected: yes.
Comment: Not observed at significant frequency in large population cohorts (gnomAD); In silico analysis supports that this missense variant does not alter protein structure/function; Has not been previously published as pathogenic or benign to our knowledge